The following is an entry in ClinVar:

ClinVar aggregate classification (germline): Likely pathogenic (1 of 4 stars; one submission).

Submission:

Labcorp Genetics (formerly Invitae), Labcorp
Classification: Likely pathogenic. Last evaluated: 2025-11-22. Review status: criteria provided, single submitter. Criteria: Invitae Variant Classification Sherloc (09022015). Collection method: clinical testing. Allele origin: germline.
Comment: This sequence change replaces cysteine, which is neutral and slightly polar, with phenylalanine, which is neutral and non-polar, at codon 212 of the NOTCH3 protein (p.Cys212Phe). This variant is not present in population databases (gnomAD no frequency). This missense change has been observed in individual(s) with clinical features of autosomal dominant CADASIL (PMID: 25989649). Invitae Evidence Modeling of protein sequence and biophysical properties (such as structural, functional, and spatial information, amino acid conservation, physicochemical variation, residue mobility, and thermodynamic stability) indicates that this missense variant is expected to disrupt NOTCH3 protein function with a positive predictive value of 95%. This variant disrupts the p.Cys212 amino acid residue in NOTCH3. Other variant(s) that disrupt this residue have been determined to be pathogenic (PMID: 11755616, 30402942, 31443546; internal data). This suggests that this residue is clinically significant, and that variants that disrupt this residue are likely to be disease-causing. In summary, the currently available evidence indicates that the variant is pathogenic, but additional data are needed to prove that conclusively. Therefore, this variant has been classified as Likely Pathogenic.

Literature cited by the submitters: PubMed 25989649; PubMed 11755616; PubMed 30402942; PubMed 31443546.

NM_000435.3(NOTCH3):c.635G>T (p.Cys212Phe)

Gene: NOTCH3 (notch receptor 3; minus strand). Cytogenetic location: 19p13.12.
Variant type: single nucleotide variant.
Coding change: c.635G>T on transcript NM_000435.3 (MANE Select); coding-DNA position 635, G replaced by T.
Protein change: p.Cys212Phe; replaces cysteine 212 with phenylalanine.
Molecular consequence: missense variant.
Genome position (GRCh38, 1-based): chr19:15,192,004, C>A on the plus strand (G>T on the coding strand, the complement: NOTCH3 is on the minus strand). VCF-style: chr19-15192004-C-A. GRCh37 (hg19) VCF-style: chr19-15302815-C-A.
Other names: short protein forms C212F.
Identifiers: ClinVar variation 4710517 (VCV004710517.1).